The following is an entry in ClinVar:

ClinVar aggregate classification (germline): Uncertain significance. Review status: criteria provided, multiple submitters, no conflicts (2 of 4 stars). 2 submissions from 2 submitters: Uncertain significance (2). Last evaluated 2025-08-03.

Allele frequency attached by ClinVar (database versions not stated): ESP Exome Variant Server 0.00008; 1000 Genomes Project 0.00040; gnomAD exomes 0.00002; ExAC 0.00004; gnomAD 0.00019; TOPMed 0.00027; 1000 Genomes Project 30x 0.00031.
gnomAD v4.1: 48 of 1,614,148 alleles (0.003%); highest among the groups gnomAD compares: Admixed American, 0.057%; no homozygotes.

Submissions (2):

Ambry Genetics
Classification: Uncertain significance. Last evaluated: 2025-08-03. Review status: criteria provided, single submitter. Criteria: Ambry Variant Classification Scheme 2023. Collection method: clinical testing. Allele origin: germline.

Labcorp Genetics (formerly Invitae), Labcorp
Classification: Uncertain significance. Last evaluated: 2022-02-03. Review status: criteria provided, single submitter. Criteria: Invitae Variant Classification Sherloc (09022015). Collection method: clinical testing. Allele origin: germline.
Comment: This variant is present in population databases (rs191759195, gnomAD 0.006%). This sequence change replaces glutamic acid, which is acidic and polar, with glycine, which is neutral and non-polar, at codon 160 of the EXO5 protein (p.Glu160Gly). This variant has not been reported in the literature in individuals affected with EXO5-related conditions. In summary, the available evidence is currently insufficient to determine the role of this variant in disease. Therefore, it has been classified as a Variant of Uncertain Significance. Algorithms developed to predict the effect of missense changes on protein structure and function output the following: SIFT: "Deleterious"; PolyPhen-2: "Benign"; Align-GVGD: "Class C0". The glycine amino acid residue is found in multiple mammalian species, which suggests that this missense change does not adversely affect protein function.

NM_001346953.2(EXO5):c.479A>G (p.Glu160Gly)

Gene: EXO5 (exonuclease 5; plus strand). Cytogenetic location: 1p34.2.
Variant type: single nucleotide variant.
Coding change: c.479A>G on transcript NM_001346953.2 (MANE Select); coding-DNA position 479, A replaced by G.
Protein change: p.Glu160Gly; replaces glutamic acid 160 with glycine.
Molecular consequence: missense variant.
Genome position (GRCh38, 1-based): chr1:40,515,023, A>G. VCF-style: chr1-40515023-A-G. GRCh37 (hg19) VCF-style: chr1-40980695-A-G.
Other names: c.479A>G, p.Glu160Gly (NM_001346946.2, NM_001346947.2, NM_001346948.2 and 8 more transcripts); c.479A>G (NM_022774.1); short protein forms E160G.
Identifiers: ClinVar variation 2072998 (VCV002072998.5), dbSNP rs191759195, ClinGen allele CA793301.